The following is an entry in ClinVar:

NM_001127511.3(APC):c.166-28742A>C

Gene: APC (APC regulator of Wnt signaling pathway; plus strand). Cytogenetic location: 5q22.2.
Variant type: single nucleotide variant.
Coding change: c.166-28742A>C on transcript NM_001127511.3; 28742 bases into the intron before coding-DNA position 166, A replaced by C.
Molecular consequence: intron variant.
Genome position (GRCh38, 1-based): chr5:112,737,584, A>C. VCF-style: chr5-112737584-A-C. GRCh37 (hg19) VCF-style: chr5-112073281-A-C.
Other names: c.-18-17289A>C (NM_001407447.1, NM_001354895.2, NM_001407456.1 and 7 more transcripts); c.166-28742A>C (NM_001407446.1, NM_001354897.2, NM_001354902.2); c.-42-28742A>C (NM_001407453.1); c.-1053-17289A>C (NM_001407470.1, NM_001407472.1).
Identifiers: ClinVar variation 82325 (VCV000082325.4), dbSNP rs79216719, ClinGen allele CA023893.

ClinVar aggregate classification (germline): other (0 of 4 stars; one submission).

Conditions:
Familial colorectal cancer. Identifiers: MedGen CN280943, MONDO:0023113. Disease mechanism: loss of function.

Submission:

Systems Biology Platform Zhejiang California International NanoSystems Institute
Classification: other for Familial colorectal cancer. Review status: no assertion criteria provided. Collection method: not provided. Allele origin: unknown.
ClinVar note: Converted during submission from cancer to other.